The following is an entry in ClinVar:

NM_001018115.3(FANCD2):c.2366C>T (p.Thr789Ile)

Genes: FANCD2 (FA complementation group D2; plus strand), LOC107303338 (3p25 FANCD2 Alu-mediated recombination region; plus strand). Cytogenetic location: 3p25.3.
Variant type: single nucleotide variant.
Coding change: c.2366C>T on transcript NM_001018115.3 (MANE Select); coding-DNA position 2366, C replaced by T.
Protein change: p.Thr789Ile; replaces threonine 789 with isoleucine.
Molecular consequence: missense variant.
Genome position (GRCh38, 1-based): chr3:10,065,960, C>T. VCF-style: chr3-10065960-C-T. GRCh37 (hg19) VCF-style: chr3-10107644-C-T.
Other names: c.2366C>T, p.Thr789Ile (NM_001319984.2, NM_001374254.1, NM_033084.6); c.2255C>T, p.Thr752Ile (NM_001374253.1); short protein forms T752I, T789I.
Identifiers: ClinVar variation 936581 (VCV000936581.9), dbSNP rs1263342232, ClinGen allele CA351736287.

ClinVar aggregate classification (germline): Uncertain significance (1 of 4 stars; one submission).

Conditions:
Fanconi anemia (FA). Also called: Fanconi's anemia. Identifiers: Orphanet 84, MedGen C0015625, MeSH D005199, MONDO:0019391.

Allele frequency attached by ClinVar (database versions not stated): gnomAD exomes below 0.00001; gnomAD 0.00001; TOPMed 0.00001.
gnomAD v4.1: 3 of 1,608,400 alleles (0.00019%); highest among the groups gnomAD compares: East Asian, 0.0022%; no homozygotes.

Submission:

Labcorp Genetics (formerly Invitae), Labcorp
Classification: Uncertain significance for Fanconi anemia. Last evaluated: 2024-06-13. Review status: criteria provided, single submitter. Criteria: Invitae Variant Classification Sherloc (09022015). Collection method: clinical testing. Allele origin: germline.
Comment: This sequence change replaces threonine, which is neutral and polar, with isoleucine, which is neutral and non-polar, at codon 789 of the FANCD2 protein (p.Thr789Ile). This variant is not present in population databases (gnomAD no frequency). This variant has not been reported in the literature in individuals affected with FANCD2-related conditions. ClinVar contains an entry for this variant (Variation ID: 936581). Advanced modeling of protein sequence and biophysical properties (such as structural, functional, and spatial information, amino acid conservation, physicochemical variation, residue mobility, and thermodynamic stability) performed at Invitae indicates that this missense variant is expected to disrupt FANCD2 protein function with a positive predictive value of 80%. In summary, the available evidence is currently insufficient to determine the role of this variant in disease. Therefore, it has been classified as a Variant of Uncertain Significance.